The following is an entry in ClinVar:

ClinVar aggregate classification (germline): Uncertain significance (1 of 4 stars; one submission).

Conditions:
Cardiovascular phenotype. Identifiers: MedGen CN230736.

gnomAD v4.1: 1 of 1,613,190 alleles (0.000062%); highest among the groups gnomAD compares: Non-Finnish European, 0.000085%; no homozygotes.

Submission:

Ambry Genetics
Classification: Uncertain significance for Cardiovascular phenotype. Last evaluated: 2025-05-06. Review status: criteria provided, single submitter. Criteria: Ambry Variant Classification Scheme 2023. Collection method: clinical testing. Allele origin: germline.
Comment: The p.P91H variant (also known as c.272C>A), located in coding exon 2 of the JAG1 gene, results from a C to A substitution at nucleotide position 272. The proline at codon 91 is replaced by histidine, an amino acid with similar properties. This amino acid position is conserved. In addition, this alteration is predicted to be deleterious by in silico analysis. Based on the available evidence, the clinical significance of this variant remains unclear.

NM_000214.3(JAG1):c.272C>A (p.Pro91His)

Gene: JAG1 (jagged canonical Notch ligand 1; minus strand). Cytogenetic location: 20p12.2.
Variant type: single nucleotide variant.
Coding change: c.272C>A on transcript NM_000214.3 (MANE Select); coding-DNA position 272, C replaced by A.
Protein change: p.Pro91His; replaces proline 91 with histidine.
Molecular consequence: missense variant.
Genome position (GRCh38, 1-based): chr20:10,672,816, G>T on the plus strand (C>A on the coding strand, the complement: JAG1 is on the minus strand). VCF-style: chr20-10672816-G-T. GRCh37 (hg19) VCF-style: chr20-10653464-G-T.
Other names: short protein forms P91H.
Identifiers: ClinVar variation 4040682 (VCV004040682.1).